The following is an entry in ClinVar:

ClinVar aggregate classification (germline): Uncertain significance (1 of 4 stars; one submission).

Submission:

Labcorp Genetics (formerly Invitae), Labcorp
Classification: Uncertain significance. Last evaluated: 2025-02-06. Review status: criteria provided, single submitter. Criteria: Invitae Variant Classification Sherloc (09022015). Collection method: clinical testing. Allele origin: germline.
Comment: This sequence change replaces glycine, which is neutral and non-polar, with cysteine, which is neutral and slightly polar, at codon 1198 of the COL11A1 protein (p.Gly1198Cys). This variant is not present in population databases (gnomAD no frequency). This variant has not been reported in the literature in individuals affected with COL11A1-related conditions. Invitae Evidence Modeling of protein sequence and biophysical properties (such as structural, functional, and spatial information, amino acid conservation, physicochemical variation, residue mobility, and thermodynamic stability) indicates that this missense variant is expected to disrupt COL11A1 protein function with a positive predictive value of 80%. In summary, the available evidence is currently insufficient to determine the role of this variant in disease. Therefore, it has been classified as a Variant of Uncertain Significance.

NM_001854.4(COL11A1):c.3592G>T (p.Gly1198Cys)

Gene: COL11A1 (collagen type XI alpha 1 chain; minus strand). Cytogenetic location: 1p21.1.
Variant type: single nucleotide variant.
Coding change: c.3592G>T on transcript NM_001854.4 (MANE Select); coding-DNA position 3592, G replaced by T.
Protein change: p.Gly1198Cys; replaces glycine 1198 with cysteine.
Molecular consequence: missense variant. On other transcripts: non-coding transcript variant (1).
Genome position (GRCh38, 1-based): chr1:102,934,457, C>A on the plus strand (G>T on the coding strand, the complement: COL11A1 is on the minus strand). VCF-style: chr1-102934457-C-A. GRCh37 (hg19) VCF-style: chr1-103400013-C-A.
Other names: c.3475G>T, p.Gly1159Cys (NM_001190709.2); c.3628G>T, p.Gly1210Cys (NM_080629.3); c.3244G>T, p.Gly1082Cys (NM_080630.4); short protein forms G1198C, G1159C, G1210C, G1082C.
Identifiers: ClinVar variation 3667317 (VCV003667317.2).